The following is an entry in ClinVar:

NM_178857.6(RP1L1):c.109A>G (p.Thr37Ala)

Gene: RP1L1 (RP1 like 1). Cytogenetic location: 8p23.1.
Variant type: single nucleotide variant.
Coding change: c.109A>G on transcript NM_178857.6 (MANE Select); coding-DNA position 109, A replaced by G.
Protein change: p.Thr37Ala; replaces threonine 37 with alanine.
Molecular consequence: missense variant.
Genome position (GRCh38, 1-based): chr8:10,623,093, T>C on the plus strand (A>G on the coding strand, the complement: RP1L1 is on the minus strand). VCF-style: chr8-10623093-T-C. GRCh37 (hg19) VCF-style: chr8-10480603-T-C.
Other names: short protein forms T37A.
Identifiers: ClinVar variation 361428 (VCV000361428.12), dbSNP rs755268691, ClinGen allele CA4625872.
Genomic context (GRCh38, chr8:10,623,093, plus strand): 5'-CGCGCTGGTGAACGGCCAGGCGGACCCCAGCAAACCGTGGATCCCCTCGCTTGAGGAAGG[T>C]GATCTTCTTGGCTGGCGTGACCTTGGTGACCGAGGGGGTGCGAGCCACAGAGGGCAGGAA-3'
Protein context (NP_849188.4, residues 27-47): VTKVTPAKKI[Thr37Ala]FLKRGDPRFA

ClinVar aggregate classification (germline): Conflicting classifications of pathogenicity. Review status: criteria provided, conflicting classifications (1 of 4 stars). 4 submissions from 4 submitters: Uncertain significance (3); Likely benign (1). Last evaluated 2026-05-15.

Conditions:
Occult macular dystrophy (OCMD). Also called: OCCULT MACULAR DYSTROPHY, SUSCEPTIBILITY TO; OMD. Identifiers: Orphanet 247834, MedGen C3150833, MONDO:0013316, OMIM 613587, HP:0030636.
RP1L1-related disorder. Also called: RP1L1-related condition.

Allele frequency attached by ClinVar (database versions not stated): gnomAD 0.00001; gnomAD exomes 0.00001; TOPMed 0.00001; ExAC 0.00002.
gnomAD v4.1: 23 of 1,613,508 alleles (0.0014%); highest among the groups gnomAD compares: Non-Finnish European, 0.0018%; no homozygotes.

Submissions (4):

PreventionGenetics, part of Exact Sciences
Classification: Uncertain significance for RP1L1-related condition. Last evaluated: 2026-05-15. Review status: criteria provided, single submitter. Criteria: ACMG Guidelines, 2015. Collection method: clinical testing. Allele origin: germline.
Comment: The RP1L1 c.109A>G variant is predicted to result in the amino acid substitution p.Thr37Ala. To our knowledge, this variant has not been reported in the literature. This variant is present in 0.0027% of alleles in individuals of European (Non-Finnish) descent in gnomAD. At this time, the clinical significance of this variant is uncertain due to the absence of conclusive functional and genetic evidence.

Labcorp Genetics (formerly Invitae), Labcorp
Classification: Uncertain significance. Last evaluated: 2025-05-04. Review status: criteria provided, single submitter. Criteria: Invitae Variant Classification Sherloc (09022015). Collection method: clinical testing. Allele origin: germline.
Comment: This sequence change replaces threonine, which is neutral and polar, with alanine, which is neutral and non-polar, at codon 37 of the RP1L1 protein (p.Thr37Ala). This variant is present in population databases (rs755268691, gnomAD 0.004%). This variant has not been reported in the literature in individuals affected with RP1L1-related conditions. ClinVar contains an entry for this variant (Variation ID: 361428). Invitae Evidence Modeling of protein sequence and biophysical properties (such as structural, functional, and spatial information, amino acid conservation, physicochemical variation, residue mobility, and thermodynamic stability) has been performed for this missense variant. However, the output from this modeling did not meet the statistical confidence thresholds required to predict the impact of this variant on RP1L1 protein function. In summary, the available evidence is currently insufficient to determine the role of this variant in disease. Therefore, it has been classified as a Variant of Uncertain Significance.

Blueprint Genetics
Classification: Uncertain significance. Last evaluated: 2024-09-24. Review status: criteria provided, single submitter. Criteria: ACMG Guidelines, 2015. Collection method: clinical testing. Allele origin: germline.

Illumina Laboratory Services, Illumina
Classification: Likely benign for Occult macular dystrophy. Last evaluated: 2018-01-12. Review status: criteria provided, single submitter. Criteria: ICSL Variant Classification Criteria 13 December 2019. Collection method: clinical testing. Allele origin: germline.
Comment: This variant was observed in the ICSL laboratory as part of a predisposition screen in an ostensibly healthy population. It had not been previously curated by ICSL or reported in the Human Gene Mutation Database (HGMD: prior to June 1st, 2018), and was therefore a candidate for classification through an automated scoring system. Utilizing variant allele frequency, disease prevalence and penetrance estimates, and inheritance mode, an automated score was calculated to assess if this variant is too frequent to cause the disease. Based on the score and internal cut-off values, a variant classified as likely benign is not then subjected to further curation. The score for this variant resulted in a classification of likely benign for this disease.